The following is an entry in ClinVar:

NM_002386.4(MC1R):c.943T>C (p.Cys315Arg)

Gene: MC1R (melanocortin 1 receptor; plus strand). Cytogenetic location: 16q24.3.
Variant type: single nucleotide variant.
Coding change: c.943T>C on transcript NM_002386.4 (MANE Select); coding-DNA position 943, T replaced by C.
Protein change: p.Cys315Arg; replaces cysteine 315 with arginine.
Molecular consequence: missense variant.
Genome position (GRCh38, 1-based): chr16:89,920,201, T>C. VCF-style: chr16-89920201-T-C. GRCh37 (hg19) VCF-style: chr16-89986609-T-C.
Other names: short protein forms C315R.
Identifiers: ClinVar variation 2978196 (VCV002978196.3), dbSNP rs761041641, ClinGen allele CA8255821.
Genomic context (GRCh38, chr16:89,920,201, plus strand): 5'-CCCCTCATCTACGCCTTCCACAGCCAGGAGCTCCGCAGGACGCTCAAGGAGGTGCTGACA[T>C]GCTCCTGGTGAGCGCGGTGCACGCGGCTTTAAGTGTGCTGGGCAGAGGGAGGTGGTGATA-3'
Protein context (NP_002377.4, residues 305-317): LRRTLKEVLT[Cys315Arg]SW

ClinVar aggregate classification (germline): Uncertain significance (1 of 4 stars; one submission).

Conditions:
Melanoma, cutaneous malignant, susceptibility to, 5. Also called: Cutaneous malignant melanoma 5. Identifiers: Orphanet 618, MedGen C2751295, MONDO:0013133, OMIM 613099.

Allele frequency attached by ClinVar (database versions not stated): gnomAD exomes 0.00001; ExAC 0.00003; gnomAD 0.00007; TOPMed 0.00017.

Submission:

Labcorp Genetics (formerly Invitae), Labcorp
Classification: Uncertain significance for Melanoma, cutaneous malignant, susceptibility to, 5. Last evaluated: 2024-04-30. Review status: criteria provided, single submitter. Criteria: Invitae Variant Classification Sherloc (09022015). Collection method: clinical testing. Allele origin: germline.
Comment: This sequence change replaces cysteine, which is neutral and slightly polar, with arginine, which is basic and polar, at codon 315 of the MC1R protein (p.Cys315Arg). This variant is present in population databases (rs761041641, gnomAD 0.009%). This missense change has been observed in individual(s) with melanoma (PMID: 16567973). Advanced modeling of protein sequence and biophysical properties (such as structural, functional, and spatial information, amino acid conservation, physicochemical variation, residue mobility, and thermodynamic stability) performed at Invitae indicates that this missense variant is not expected to disrupt MC1R protein function with a negative predictive value of 95%. In summary, the available evidence is currently insufficient to determine the role of this variant in disease. Therefore, it has been classified as a Variant of Uncertain Significance.

Literature cited by the submitters: PubMed 16567973.